The following is an entry in ClinVar:

NM_014727.3(KMT2B):c.2497G>A (p.Val833Ile)

Gene: KMT2B (lysine methyltransferase 2B; plus strand). Cytogenetic location: 19q13.12.
Variant type: single nucleotide variant.
Coding change: c.2497G>A on transcript NM_014727.3 (MANE Select); coding-DNA position 2497, G replaced by A.
Protein change: p.Val833Ile; replaces valine 833 with isoleucine.
Molecular consequence: missense variant.
Genome position (GRCh38, 1-based): chr19:35,722,398, G>A. VCF-style: chr19-35722398-G-A. GRCh37 (hg19) VCF-style: chr19-36213300-G-A.
Other names: short protein forms V833I.
Identifiers: ClinVar variation 713662 (VCV000713662.32), dbSNP rs113208903, ClinGen allele CA9384472.

ClinVar aggregate classification (germline): Likely benign. Review status: criteria provided, multiple submitters, no conflicts (2 of 4 stars). 2 submissions from 2 submitters: Likely benign (2). Last evaluated 2026-01-15.

Allele frequency attached by ClinVar (database versions not stated): gnomAD 0.00054 and 0.00050; TOPMed 0.00054; ExAC 0.00056; gnomAD exomes 0.00062; ESP Exome Variant Server 0.00041.

Submissions (2):

Labcorp Genetics (formerly Invitae), Labcorp
Classification: Likely benign. Last evaluated: 2026-01-15. Review status: criteria provided, single submitter. Criteria: Invitae Variant Classification Sherloc (09022015). Collection method: clinical testing. Allele origin: germline.

CeGaT Center for Human Genetics Tuebingen
Classification: Likely benign. Last evaluated: 2026-01-01. Review status: criteria provided, single submitter. Criteria: CeGaT Center For Human Genetics Tuebingen Variant Classification Criteria Version 2. Collection method: clinical testing. Allele origin: germline. Affected: yes. Observed: 5 variant alleles.
Comment: KMT2B: BP4